The following is an entry in ClinVar:

NM_014363.6(SACS):c.5461T>C (p.Cys1821Arg)

Gene: SACS (sacsin molecular chaperone; minus strand). Cytogenetic location: 13q12.12.
Variant type: single nucleotide variant.
Coding change: c.5461T>C on transcript NM_014363.6 (MANE Select); coding-DNA position 5461, T replaced by C.
Protein change: p.Cys1821Arg; replaces cysteine 1821 with arginine.
Molecular consequence: missense variant.
Genome position (GRCh38, 1-based): chr13:23,338,415, A>G on the plus strand (T>C on the coding strand, the complement: SACS is on the minus strand). VCF-style: chr13-23338415-A-G. GRCh37 (hg19) VCF-style: chr13-23912554-A-G.
Other names: c.5020T>C, p.Cys1674Arg (NM_001278055.2); short protein forms C1674R, C1821R.
Identifiers: ClinVar variation 696629 (VCV000696629.50), dbSNP rs376680832, ClinGen allele CA6911247.

ClinVar aggregate classification (germline): Conflicting classifications of pathogenicity. Review status: criteria provided, conflicting classifications (1 of 4 stars). 8 submissions from 8 submitters: Uncertain significance (2); Benign (3); Likely benign (1). 2 of the submissions do not count toward it. Last evaluated 2026-02-04.

Conditions:
Charlevoix-Saguenay spastic ataxia (SACS). Also called: SPASTIC ATAXIA 6, AUTOSOMAL RECESSIVE; Spastic ataxia of Charlevoix-Saguenay; AUTOSOMAL RECESSIVE SPASTIC ATAXIA OF CHARLEVOIX-SAGUENAY. Identifiers: Orphanet 98, MedGen C1849140, MONDO:0010041, OMIM 270550.
SACS-related disorder. Also called: SACS-related condition.
Hereditary spastic paraplegia. Also called: Familial spastic paraparesis. Identifiers: Orphanet 685, MedGen C0037773, MONDO:0019064. Disease mechanism: loss of function.
Spastic paraplegia. Identifiers: MedGen C0037772, HP:0001258.

Allele frequency attached by ClinVar (database versions not stated): gnomAD 0.00004 and 0.00019; TOPMed 0.00005; ESP Exome Variant Server 0.00015; gnomAD exomes 0.00042 and 0.00078; 1000 Genomes Project 30x 0.00062; 1000 Genomes Project 0.00080; ExAC 0.00088.
gnomAD v4.1: 641 of 1,614,080 alleles (0.04%); highest among the groups gnomAD compares: South Asian, 0.66%; 10 homozygotes.

Submissions (8):

Labcorp Genetics (formerly Invitae), Labcorp
Classification: Benign for Spastic paraplegia. Last evaluated: 2026-02-04. Review status: criteria provided, single submitter. Criteria: Invitae Variant Classification Sherloc (09022015). Collection method: clinical testing. Allele origin: germline.

Athena Diagnostics
Classification: Benign. Last evaluated: 2024-01-23. Review status: criteria provided, single submitter. Criteria: Athena Diagnostics Criteria. Collection method: clinical testing. Allele origin: unknown.

CeGaT Center for Human Genetics Tuebingen
Classification: Likely benign. Last evaluated: 2023-03-01. Review status: criteria provided, single submitter. Criteria: CeGaT Center For Human Genetics Tuebingen Variant Classification Criteria Version 2. Collection method: clinical testing. Allele origin: germline. Affected: yes. Observed: 1 variant allele.
Comment: SACS: BS2

Genome-Nilou Lab
Classification: Benign for Charlevoix-Saguenay spastic ataxia. Last evaluated: 2021-09-05. Review status: criteria provided, single submitter. Criteria: ACMG Guidelines, 2015. Collection method: clinical testing. Allele origin: germline. Affected: no.

Illumina Laboratory Services, Illumina
Classification: Uncertain significance for Charlevoix-Saguenay spastic ataxia. Last evaluated: 2017-04-27. Review status: criteria provided, single submitter. Criteria: ICSL Variant Classification Criteria 13 December 2019. Collection method: clinical testing. Allele origin: germline.
Comment: This variant was observed as part of a predisposition screen in an ostensibly healthy population. A literature search was performed for the gene, cDNA change, and amino acid change (where applicable). Publications were found based on this search. However, the evidence from the literature, in combination with allele frequency data from public databases where available, was not sufficient to rule this variant in or out of causing disease. Therefore, this variant is classified as a variant of unknown significance.

Genome Diagnostics Laboratory, The Hospital for Sick Children
Classification: Uncertain significance for Hereditary spastic paraplegia. Last evaluated: 2016-12-12. Review status: criteria provided, single submitter. Criteria: ACMG Guidelines, 2015. Collection method: clinical testing. Allele origin: germline. Affected: yes.

Natera, Inc.
Classification: Likely benign for Charlevoix-Saguenay type spastic ataxia. Last evaluated: 2020-02-11. Review status: no assertion criteria provided. Collection method: clinical testing. Allele origin: germline. Not counted in ClinVar's aggregate classification.

PreventionGenetics, part of Exact Sciences
Classification: Likely benign for SACS-related condition. Last evaluated: 2019-12-09. Review status: no assertion criteria provided. Collection method: clinical testing. Allele origin: germline. Not counted in ClinVar's aggregate classification.
Comment: This variant is classified as likely benign based on ACMG/AMP sequence variant interpretation guidelines (Richards et al. 2015 PMID: 25741868, with internal and published modifications).

Literature cited by the submitters: PubMed 25405613 (cited by Athena Diagnostics and Illumina Laboratory Services, Illumina); PubMed 23280630 (cited by Athena Diagnostics); PubMed 25887915 (cited by Athena Diagnostics).